The following is an entry in ClinVar:

NM_203486.3(DLL3):c.1754G>A (p.Arg585Gln)

Gene: DLL3 (delta like canonical Notch ligand 3; plus strand). Cytogenetic location: 19q13.2.
Variant type: single nucleotide variant.
Coding change: c.1754G>A on transcript NM_203486.3 (MANE Select); coding-DNA position 1754, G replaced by A.
Protein change: p.Arg585Gln; replaces arginine 585 with glutamine.
Molecular consequence: missense variant.
Genome position (GRCh38, 1-based): chr19:39,507,910, G>A. VCF-style: chr19-39507910-G-A. GRCh37 (hg19) VCF-style: chr19-39998550-G-A.
Other names: c.1754G>A, p.Arg585Gln (NM_016941.4); short protein forms R585Q.
Identifiers: ClinVar variation 1487895 (VCV001487895.6), dbSNP rs749430803, ClinGen allele CA405790556.

ClinVar aggregate classification (germline): Uncertain significance (1 of 4 stars; one submission).

Submission:

Labcorp Genetics (formerly Invitae), Labcorp
Classification: Uncertain significance. Last evaluated: 2021-11-09. Review status: criteria provided, single submitter. Criteria: Invitae Variant Classification Sherloc (09022015). Collection method: clinical testing. Allele origin: germline.
Comment: This sequence change replaces arginine, which is basic and polar, with glutamine, which is neutral and polar, at codon 585 of the DLL3 protein (p.Arg585Gln). This variant is not present in population databases (gnomAD no frequency). This variant has not been reported in the literature in individuals affected with DLL3-related conditions. Algorithms developed to predict the effect of missense changes on protein structure and function output the following: SIFT: "Deleterious"; PolyPhen-2: "Benign"; Align-GVGD: "Class C0". The glutamine amino acid residue is found in multiple mammalian species, which suggests that this missense change does not adversely affect protein function. Algorithms developed to predict the effect of sequence changes on RNA splicing suggest that this variant may create or strengthen a splice site. In summary, the available evidence is currently insufficient to determine the role of this variant in disease. Therefore, it has been classified as a Variant of Uncertain Significance.